The following is an entry in ClinVar:

NM_000432.4(MYL2):c.290A>T (p.Glu97Val)

Gene: MYL2 (myosin light chain 2; minus strand). Cytogenetic location: 12q24.11.
Variant type: single nucleotide variant.
Coding change: c.290A>T on transcript NM_000432.4 (MANE Select); coding-DNA position 290, A replaced by T.
Protein change: p.Glu97Val; replaces glutamic acid 97 with valine.
Molecular consequence: missense variant.
Genome position (GRCh38, 1-based): chr12:110,913,309, T>A on the plus strand (A>T on the coding strand, the complement: MYL2 is on the minus strand). VCF-style: chr12-110913309-T-A. GRCh37 (hg19) VCF-style: chr12-111351113-T-A.
Other names: short protein forms E97V.
Identifiers: ClinVar variation 1374447 (VCV001374447.8), dbSNP rs2136770896, ClinGen allele CA386698113.

ClinVar aggregate classification (germline): Uncertain significance (1 of 4 stars; one submission).

Conditions:
Hypertrophic cardiomyopathy 10. Also called: MYL2-Related Familial Hypertrophic Cardiomyopathy; CARDIOMYOPATHY, HYPERTROPHIC, MID-LEFT VENTRICULAR CHAMBER TYPE, 2. Identifiers: MedGen C1834460, MONDO:0012112, OMIM 608758.

Submission:

Labcorp Genetics (formerly Invitae), Labcorp
Classification: Uncertain significance for Hypertrophic cardiomyopathy 10. Last evaluated: 2022-06-13. Review status: criteria provided, single submitter. Criteria: Invitae Variant Classification Sherloc (09022015). Collection method: clinical testing. Allele origin: germline.
Comment: Algorithms developed to predict the effect of sequence changes on RNA splicing suggest that this variant may create or strengthen a splice site. Algorithms developed to predict the effect of missense changes on protein structure and function are either unavailable or do not agree on the potential impact of this missense change (SIFT: "Deleterious"; PolyPhen-2: "Probably Damaging"; Align-GVGD: "Class C0"). This variant has not been reported in the literature in individuals affected with MYL2-related conditions. This variant is not present in population databases (gnomAD no frequency). This sequence change replaces glutamic acid, which is acidic and polar, with valine, which is neutral and non-polar, at codon 97 of the MYL2 protein (p.Glu97Val). In summary, the available evidence is currently insufficient to determine the role of this variant in disease. Therefore, it has been classified as a Variant of Uncertain Significance.